The following is an entry in ClinVar:

NM_001128840.3(CACNA1D):c.2467G>A (p.Val823Met)

Gene: CACNA1D (calcium voltage-gated channel subunit alpha1 D; plus strand). Cytogenetic location: 3p21.1.
Variant type: single nucleotide variant.
Coding change: c.2467G>A on transcript NM_001128840.3 (MANE Select); coding-DNA position 2467, G replaced by A.
Protein change: p.Val823Met; replaces valine 823 with methionine.
Molecular consequence: missense variant.
Genome position (GRCh38, 1-based): chr3:53,732,076, G>A. VCF-style: chr3-53732076-G-A. GRCh37 (hg19) VCF-style: chr3-53766103-G-A.
Other names: c.2527G>A, p.Val843Met (NM_000720.4); c.2467G>A, p.Val823Met (NM_001128839.3); short protein forms V843M, V823M.
Identifiers: ClinVar variation 500589 (VCV000500589.63), dbSNP rs35090700, ClinGen allele CA2454249.
Genomic context (GRCh38, chr3:53,732,076, plus strand): 5'-GTTACAATTGATGACTATAGAGAAGAGGATGAAGACAAGGACCCCTATCCGCCTTGCGAT[G>A]TGCCAGGTATGGTGGCGGAGGCCGGAGACGCTGGCTTTGCTGTGTGTCTTTGCTACTGCT-3'
Protein context (NP_001122312.1, residues 813-833): EDKDPYPPCD[Val823Met]PVGEEEEEEE

ClinVar aggregate classification (germline): Conflicting classifications of pathogenicity. Review status: criteria provided, conflicting classifications (1 of 4 stars). 9 submissions from 9 submitters: Uncertain significance (5); Likely benign (2). 2 of the submissions do not count toward it. Last evaluated 2026-01-28.

Conditions:
CACNA1D-related disorder.
Intellectual disability. Also called: intellectual disabilities; Intellectual developmental disorder; Intellectual functioning disability. Identifiers: MedGen C3714756, MeSH D008607, MONDO:0001071, HP:0001249.

Allele frequency attached by ClinVar (database versions not stated): gnomAD exomes 0.00012 and 0.00019; ExAC 0.00020; ESP Exome Variant Server 0.00092; 1000 Genomes Project 30x 0.00094; gnomAD 0.00099 and 0.00107; 1000 Genomes Project 0.00100; TOPMed 0.00108.
gnomAD v4.1: 334 of 1,611,562 alleles (0.021%); highest among the groups gnomAD compares: African/African-American, 0.32%; no homozygotes.

Submissions (9):

Labcorp Genetics (formerly Invitae), Labcorp
Classification: Likely benign. Last evaluated: 2026-01-28. Review status: criteria provided, single submitter. Criteria: Invitae Variant Classification Sherloc (09022015). Collection method: clinical testing. Allele origin: germline.

Mayo Clinic Laboratories, Mayo Clinic
Classification: Uncertain significance. Last evaluated: 2025-04-02. Review status: criteria provided, single submitter. Criteria: ACMG Guidelines, 2015. Collection method: clinical testing. Allele origin: germline. Observed: 1 variant allele.
Comment: BS1

Genetic Services Laboratory, University of Chicago
Classification: Uncertain significance. Last evaluated: 2021-08-23. Review status: criteria provided, single submitter. Criteria: ACMG Guidelines, 2015. Collection method: clinical testing. Allele origin: germline. Affected: no.
Comment: DNA sequence analysis of the CACNA1D gene demonstrated a sequence change, c.2527G>A, in exon 19 that results in an amino acid change, p.Val843Met. This sequence change does not appear to have been previously described in patients with CACNA1D-related disorders and has been described in the gnomAD database with a population frequency of 0.26% in African subpopulation (dbSNP rs35090700). The p.Val843Met change affects a moderately conserved amino acid residue located in a domain of the CACNA1D protein that is known to be functional. In-silico pathogenicity prediction tools (SIFT, PolyPhen2, Align GVGD, REVEL) provide contradictory results for the p.Val843Met substitution. Due to these contrasting evidences and the lack of functional studies, the clinical significance of the p.Val843Met change remains unknown at this time.

GeneDx
Classification: Likely benign. Last evaluated: 2021-03-10. Review status: criteria provided, single submitter. Criteria: GeneDx Variant Classification Process June 2021. Collection method: clinical testing. Allele origin: germline. Affected: yes.

Laboratory for Molecular Medicine, Mass General Brigham Personalized Medicine
Classification: Uncertain significance. Last evaluated: 2018-02-15. Review status: criteria provided, single submitter. Criteria: LMM Criteria. Collection method: clinical testing. Allele origin: germline. Observed: 2 variant alleles.
Comment: Variant classified as Uncertain Significance - Favor Benign. This variant has been identified in 0.25% (59/24036) of African chromosomes by the Genome Aggregation Database (gnom AD; dbSNP rs35090700). Computational predicti on tools and conservation analysis suggest that the p.Val843Met variant may not impact the protein, though this information is not predictive enough to rule out pathogenicity. In summary, while the clinical significance of the p.Val843Met v ariant is uncertain, its frequency and the computational data suggest that it is more likely to be benign. ACMG/AMP Criteria applied: BP4.

Eurofins Ntd Llc (ga)
Classification: Uncertain significance. Last evaluated: 2017-02-24. Review status: criteria provided, single submitter. Criteria: EGL Classification Definitions 2015. Collection method: clinical testing. Allele origin: germline. Observed: 1 variant allele, 1 heterozygote.

CeGaT Center for Human Genetics Tuebingen
Classification: Uncertain significance. Last evaluated: 2016-05-01. Review status: criteria provided, single submitter. Criteria: CeGaT Center For Human Genetics Tuebingen Variant Classification Criteria Version 2. Collection method: clinical testing. Allele origin: germline. Affected: yes. Observed: 1 variant allele.

PreventionGenetics, part of Exact Sciences
Classification: Likely benign for CACNA1D-related condition. Last evaluated: 2023-03-24. Review status: no assertion criteria provided. Collection method: clinical testing. Allele origin: germline. Not counted in ClinVar's aggregate classification.
Comment: This variant is classified as likely benign based on ACMG/AMP sequence variant interpretation guidelines (Richards et al. 2015 PMID: 25741868, with internal and published modifications).

Centre de Biologie Pathologie Génétique, Centre Hospitalier Universitaire de Lille
Classification: Likely benign for Intellectual disability. Last evaluated: 2019-01-01. Review status: no assertion criteria provided. Collection method: clinical testing. Allele origin: inherited. Affected: yes. Not counted in ClinVar's aggregate classification.